The following is an entry in ClinVar:

NM_032447.5(FBN3):c.6538C>T (p.Arg2180Cys)

Gene: FBN3 (fibrillin 3; minus strand). Cytogenetic location: 19p13.2.
Variant type: single nucleotide variant.
Coding change: c.6538C>T on transcript NM_032447.5 (MANE Select); coding-DNA position 6538, C replaced by T.
Protein change: p.Arg2180Cys; replaces arginine 2180 with cysteine.
Molecular consequence: missense variant.
Genome position (GRCh38, 1-based): chr19:8,087,906, G>A on the plus strand (C>T on the coding strand, the complement: FBN3 is on the minus strand). VCF-style: chr19-8087906-G-A. GRCh37 (hg19) VCF-style: chr19-8152790-G-A.
Other names: c.6538C>T, p.Arg2180Cys (NM_001321431.2); c.6538C>T (NM_032447.3); short protein forms R2180C.
Identifiers: ClinVar variation 1491919 (VCV001491919.9), dbSNP rs138756263, ClinGen allele CA9151238.

ClinVar aggregate classification (germline): Uncertain significance. Review status: criteria provided, multiple submitters, no conflicts (2 of 4 stars). 2 submissions from 2 submitters: Uncertain significance (2). Last evaluated 2025-09-22.

Allele frequency attached by ClinVar (database versions not stated): gnomAD exomes 0.00002 and 0.00004; TOPMed 0.00003; gnomAD 0.00004; ExAC 0.00006; 1000 Genomes Project 30x 0.00016; 1000 Genomes Project 0.00020.

Submissions (2):

Ambry Genetics
Classification: Uncertain significance. Last evaluated: 2025-09-22. Review status: criteria provided, single submitter. Criteria: Ambry Variant Classification Scheme 2023. Collection method: clinical testing. Allele origin: germline.

Labcorp Genetics (formerly Invitae), Labcorp
Classification: Uncertain significance. Last evaluated: 2023-07-10. Review status: criteria provided, single submitter. Criteria: Invitae Variant Classification Sherloc (09022015). Collection method: clinical testing. Allele origin: germline.
Comment: This sequence change replaces arginine, which is basic and polar, with cysteine, which is neutral and slightly polar, at codon 2180 of the FBN3 protein (p.Arg2180Cys). This variant is present in population databases (rs138756263, gnomAD 0.01%). This variant has not been reported in the literature in individuals affected with FBN3-related conditions. ClinVar contains an entry for this variant (Variation ID: 1491919). Advanced modeling of protein sequence and biophysical properties (such as structural, functional, and spatial information, amino acid conservation, physicochemical variation, residue mobility, and thermodynamic stability) performed at Invitae indicates that this missense variant is expected to disrupt FBN3 protein function. In summary, the available evidence is currently insufficient to determine the role of this variant in disease. Therefore, it has been classified as a Variant of Uncertain Significance.